The following is an entry in ClinVar:

NM_002653.5(PITX1):c.262A>C (p.Lys88Gln)

Gene: PITX1 (paired like homeodomain 1; minus strand). Cytogenetic location: 5q31.1.
Variant type: single nucleotide variant.
Coding change: c.262A>C on transcript NM_002653.5 (MANE Select); coding-DNA position 262, A replaced by C.
Protein change: p.Lys88Gln; replaces lysine 88 with glutamine.
Molecular consequence: missense variant.
Genome position (GRCh38, 1-based): chr5:135,031,416, T>G on the plus strand (A>C on the coding strand, the complement: PITX1 is on the minus strand). VCF-style: chr5-135031416-T-G. GRCh37 (hg19) VCF-style: chr5-134367106-T-G.
Other names: c.262A>C (NM_002653.4); short protein forms K88Q.
Identifiers: ClinVar variation 285947 (VCV000285947.10), dbSNP rs200888898, ClinGen allele CA3417652.

ClinVar aggregate classification (germline): Uncertain significance. Review status: criteria provided, multiple submitters, no conflicts (2 of 4 stars). 3 submissions from 3 submitters: Uncertain significance (2). 1 of the submissions does not count toward it. Last evaluated 2024-10-15.

Conditions:
PITX1-related disorder. Also called: PITX1-related condition.

Allele frequency attached by ClinVar (database versions not stated): TOPMed 0.00014; 1000 Genomes Project 30x 0.00016; 1000 Genomes Project 0.00020; gnomAD exomes 0.00022 and 0.00030; gnomAD 0.00023; ExAC 0.00027.

Submissions (3):

Labcorp Genetics (formerly Invitae), Labcorp
Classification: Uncertain significance. Last evaluated: 2024-10-15. Review status: criteria provided, single submitter. Criteria: Invitae Variant Classification Sherloc (09022015). Collection method: clinical testing. Allele origin: germline.
Comment: This sequence change replaces lysine, which is basic and polar, with glutamine, which is neutral and polar, at codon 88 of the PITX1 protein (p.Lys88Gln). This variant is present in population databases (rs200888898, gnomAD 0.2%), and has an allele count higher than expected for a pathogenic variant. This variant has not been reported in the literature in individuals affected with PITX1-related conditions. ClinVar contains an entry for this variant (Variation ID: 285947). Invitae Evidence Modeling of protein sequence and biophysical properties (such as structural, functional, and spatial information, amino acid conservation, physicochemical variation, residue mobility, and thermodynamic stability) has been performed for this missense variant. However, the output from this modeling did not meet the statistical confidence thresholds required to predict the impact of this variant on PITX1 protein function. In summary, the available evidence is currently insufficient to determine the role of this variant in disease. Therefore, it has been classified as a Variant of Uncertain Significance.

Eurofins Ntd Llc (ga)
Classification: Uncertain significance. Last evaluated: 2016-02-04. Review status: criteria provided, single submitter. Criteria: EGL Classification Definitions 2015. Collection method: clinical testing. Allele origin: germline. Observed: 1 variant allele, 1 heterozygote.

PreventionGenetics, part of Exact Sciences
Classification: Likely benign for PITX1-related condition. Last evaluated: 2023-05-05. Review status: no assertion criteria provided. Collection method: clinical testing. Allele origin: germline. Not counted in ClinVar's aggregate classification.
Comment: This variant is classified as likely benign based on ACMG/AMP sequence variant interpretation guidelines (Richards et al. 2015 PMID: 25741868, with internal and published modifications).